The following is an entry in ClinVar:

NM_002473.6(MYH9):c.3192C>T (p.Ile1064=)

Gene: MYH9 (myosin heavy chain 9; minus strand). Cytogenetic location: 22q12.3.
Variant type: single nucleotide variant.
Coding change: c.3192C>T on transcript NM_002473.6 (MANE Select); coding-DNA position 3192, C replaced by T.
Protein change: p.Ile1064=; no amino-acid change (isoleucine 1064 retained).
Molecular consequence: synonymous variant.
Genome position (GRCh38, 1-based): chr22:36,296,923, G>A on the plus strand (C>T on the coding strand, the complement: MYH9 is on the minus strand). VCF-style: chr22-36296923-G-A. GRCh37 (hg19) VCF-style: chr22-36692969-G-A.
Other names: p.Ile1064=.
Identifiers: ClinVar variation 44557 (VCV000044557.62), dbSNP rs144807538, ClinGen allele CA134523.

ClinVar aggregate classification (germline): Conflicting classifications of pathogenicity. Review status: criteria provided, conflicting classifications (1 of 4 stars). 13 submissions from 12 submitters: Uncertain significance (1); Benign (3); Likely benign (9). Last evaluated 2026-01-26.

Conditions:
MYH9-related disorder. Identifiers: MedGen C1854520.
Autosomal dominant nonsyndromic hearing loss 17. Also called: Deafness, autosomal dominant 17; Autosomal dominant nonsyndromic deafness 17. Identifiers: Orphanet 90635, MedGen C1863659, MONDO:0011350, OMIM 603622.

Allele frequency attached by ClinVar (database versions not stated): 1000 Genomes Project 30x 0.00016; gnomAD exomes 0.00053 and 0.00091; ExAC 0.00054; gnomAD 0.00064 and 0.00076; ESP Exome Variant Server 0.00069; TOPMed 0.00090.
gnomAD v4.1: 1,429 of 1,614,018 alleles (0.089%); highest among the groups gnomAD compares: Non-Finnish European, 0.11%; 1 homozygote.

Submissions (13):

Labcorp Genetics (formerly Invitae), Labcorp
Classification: Likely benign. Last evaluated: 2026-01-26. Review status: criteria provided, single submitter. Criteria: Invitae Variant Classification Sherloc (09022015). Collection method: clinical testing. Allele origin: germline.

CeGaT Center for Human Genetics Tuebingen
Classification: Likely benign. Last evaluated: 2025-12-01. Review status: criteria provided, single submitter. Criteria: CeGaT Center For Human Genetics Tuebingen Variant Classification Criteria Version 2. Collection method: clinical testing. Allele origin: germline. Affected: yes. Observed: 5 variant alleles.
Comment: MYH9: BP4, BP7, BS1

Women's Health and Genetics/Laboratory Corporation of America, LabCorp
Classification: Likely benign. Last evaluated: 2025-11-18. Review status: criteria provided, single submitter. Criteria: LabCorp Variant Classification Summary - May 2015. Collection method: clinical testing. Allele origin: germline.

Mayo Clinic Laboratories, Mayo Clinic
Classification: Likely benign. Last evaluated: 2025-10-06. Review status: criteria provided, single submitter. Criteria: ACMG Guidelines, 2015. Collection method: clinical testing. Allele origin: germline. Observed: 1 variant allele.
Comment: BS1, BP4, BP7

Blueprint Genetics
Classification: Likely benign. Last evaluated: 2024-10-22. Review status: criteria provided, single submitter. Criteria: ACMG Guidelines, 2015. Collection method: clinical testing. Allele origin: germline.

ARUP Laboratories, Molecular Genetics and Genomics, ARUP Laboratories
Classification: Benign. Last evaluated: 2022-09-13. Review status: criteria provided, single submitter. Criteria: ARUP Molecular Germline Variant Investigation Process 2021. Collection method: clinical testing. Allele origin: germline.

Athena Diagnostics
Classification: Benign. Last evaluated: 2019-07-01. Review status: criteria provided, single submitter. Criteria: Athena Diagnostics Criteria. Collection method: clinical testing. Allele origin: germline.

Illumina Laboratory Services, Illumina
Classification: Benign for MYH9-related disorder. Last evaluated: 2018-01-13. Review status: criteria provided, single submitter. Criteria: ICSL Variant Classification Criteria 13 December 2019. Collection method: clinical testing. Allele origin: germline.
Comment: This variant was observed in the ICSL laboratory as part of a predisposition screen in an ostensibly healthy population. It had not been previously curated by ICSL or reported in the Human Gene Mutation Database (HGMD: prior to June 1st, 2018), and was therefore a candidate for classification through an automated scoring system. Utilizing variant allele frequency, disease prevalence and penetrance estimates, and inheritance mode, an automated score was calculated to assess if this variant is too frequent to cause the disease. Based on the score and internal cut-off values, a variant classified as benign is not then subjected to further curation. The score for this variant resulted in a classification of benign for this disease.

Illumina Laboratory Services, Illumina
Classification: Likely benign for Autosomal dominant nonsyndromic hearing loss 17. Last evaluated: 2018-01-13. Review status: criteria provided, single submitter. Criteria: ICSL Variant Classification Criteria 13 December 2019. Collection method: clinical testing. Allele origin: germline.
Comment: This variant was observed in the ICSL laboratory as part of a predisposition screen in an ostensibly healthy population. It had not been previously curated by ICSL or reported in the Human Gene Mutation Database (HGMD: prior to June 1st, 2018), and was therefore a candidate for classification through an automated scoring system. Utilizing variant allele frequency, disease prevalence and penetrance estimates, and inheritance mode, an automated score was calculated to assess if this variant is too frequent to cause the disease. Based on the score and internal cut-off values, a variant classified as likely benign is not then subjected to further curation. The score for this variant resulted in a classification of likely benign for this disease.

GeneDx
Classification: Likely benign. Last evaluated: 2017-12-14. Review status: criteria provided, single submitter. Criteria: GeneDx Variant Classification (06012015). Collection method: clinical testing. Allele origin: germline. Affected: yes.
Comment: This variant is considered likely benign or benign based on one or more of the following criteria: it is a conservative change, it occurs at a poorly conserved position in the protein, it is predicted to be benign by multiple in silico algorithms, and/or has population frequency not consistent with disease.

Eurofins Ntd Llc (ga)
Classification: Uncertain significance. Last evaluated: 2015-10-20. Review status: criteria provided, single submitter. Criteria: EGL Classification Definitions 2015. Collection method: clinical testing. Allele origin: germline. Observed: 1 variant allele, 1 heterozygote.

Laboratory for Molecular Medicine, Mass General Brigham Personalized Medicine
Classification: Likely benign. Last evaluated: 2015-04-20. Review status: criteria provided, single submitter. Criteria: LMM Criteria. Collection method: clinical testing. Allele origin: germline. Observed: 4 variant alleles.
Comment: p.Ile1064Ile in Exon 25 of MYH9: This variant is not expected to have clinical s ignificance because it does not alter an amino acid residue, is not located with in the splice consensus sequence, and has been identified in 60/66148 European c hromosomes by the Exome Aggregation Consortium (ExAC .org; dbSNP rs144807538).

PreventionGenetics, part of Exact Sciences
Classification: Likely benign. Review status: criteria provided, single submitter. Criteria: ACMG Guidelines, 2015. Collection method: clinical testing. Allele origin: germline.